The following is an entry in ClinVar:

ClinVar aggregate classification (germline): Uncertain significance. Review status: criteria provided, multiple submitters, no conflicts (2 of 4 stars). 2 submissions from 2 submitters: Uncertain significance (2). Last evaluated 2025-10-14.

Conditions:
Hereditary cancer-predisposing syndrome. Also called: Neoplastic Syndromes, Hereditary; Hereditary Cancer Syndrome; Tumor predisposition; Hereditary neoplastic syndrome. Identifiers: Orphanet 140162, MedGen C0027672, MeSH D009386, MONDO:0015356.

Allele frequency attached by ClinVar (database versions not stated): TOPMed below 0.00001.
gnomAD v4.1: 3 of 1,613,972 alleles (0.00019%); highest among the groups gnomAD compares: East Asian, 0.0045%; no homozygotes.

Submissions (2):

Labcorp Genetics (formerly Invitae), Labcorp
Classification: Uncertain significance. Last evaluated: 2025-10-14. Review status: criteria provided, single submitter. Criteria: Invitae Variant Classification Sherloc (09022015). Collection method: clinical testing. Allele origin: germline.
Comment: This sequence change replaces serine, which is neutral and polar, with arginine, which is basic and polar, at codon 1039 of the MSH3 protein (p.Ser1039Arg). This variant is present in population databases (no rsID available, gnomAD 0.02%). This variant has not been reported in the literature in individuals affected with MSH3-related conditions. ClinVar contains an entry for this variant (Variation ID: 943999). An algorithm developed to predict the effect of missense changes on protein structure and function (PolyPhen-2) suggests that this variant is likely to be disruptive. In summary, the available evidence is currently insufficient to determine the role of this variant in disease. Therefore, it has been classified as a Variant of Uncertain Significance.

Ambry Genetics
Classification: Uncertain significance for Hereditary cancer-predisposing syndrome. Last evaluated: 2022-03-07. Review status: criteria provided, single submitter. Criteria: Ambry Variant Classification Scheme 2023. Collection method: clinical testing. Allele origin: germline.
Comment: The p.S1039R variant (also known as c.3115A>C), located in coding exon 22 of the MSH3 gene, results from an A to C substitution at nucleotide position 3115. The serine at codon 1039 is replaced by arginine, an amino acid with dissimilar properties. This amino acid position is conserved. In addition, this alteration is predicted to be tolerated by in silico analysis. Since supporting evidence is limited at this time, the clinical significance of this alteration remains unclear.

NM_002439.5(MSH3):c.3115A>C (p.Ser1039Arg)

Gene: MSH3 (mutS homolog 3; plus strand). Cytogenetic location: 5q14.1.
Variant type: single nucleotide variant.
Coding change: c.3115A>C on transcript NM_002439.5 (MANE Select); coding-DNA position 3115, A replaced by C.
Protein change: p.Ser1039Arg; replaces serine 1039 with arginine.
Molecular consequence: missense variant.
Genome position (GRCh38, 1-based): chr5:80,864,927, A>C. VCF-style: chr5-80864927-A-C. GRCh37 (hg19) VCF-style: chr5-80160746-A-C.
Other names: short protein forms S1039R.
Identifiers: ClinVar variation 943999 (VCV000943999.12), dbSNP rs1290471693, ClinGen allele CA360346459.